The following is an entry in ClinVar:

ClinVar aggregate classification (germline): Pathogenic/Likely pathogenic. Review status: criteria provided, multiple submitters, no conflicts (2 of 4 stars). 5 submissions from 5 submitters: Pathogenic (1); Likely pathogenic (3). 1 of the submissions does not count toward it. Last evaluated 2024-05-03.

Conditions:
Galactosylceramide beta-galactosidase deficiency. Also called: GALACTOCEREBROSIDASE DEFICIENCY; GALC DEFICIENCY; GLOBOID CELL LEUKOENCEPHALOPATHY; Leukodystrophy, Globoid Cell; Krabbe Disease. Identifiers: Orphanet 487, MedGen C0023521, MONDO:0009499, OMIM 245200.

Allele frequency attached by ClinVar (database versions not stated): gnomAD exomes below 0.00001.
gnomAD v4.1: 2 of 1,611,724 alleles (0.00012%); highest among the groups gnomAD compares: Non-Finnish European, 0.00017%; no homozygotes.

Submissions (5):

Fulgent Genetics
Classification: Likely pathogenic for Galactosylceramide beta-galactosidase deficiency. Last evaluated: 2024-05-03. Review status: criteria provided, single submitter. Criteria: ACMG Guidelines, 2015. Collection method: clinical testing. Allele origin: germline.

Women's Health and Genetics/Laboratory Corporation of America, LabCorp
Classification: Likely pathogenic for Galactosylceramide beta-galactosidase deficiency. Last evaluated: 2024-05-01. Review status: criteria provided, single submitter. Criteria: LabCorp Variant Classification Summary - May 2015. Collection method: clinical testing. Allele origin: germline.
Comment: Variant summary: GALC c.1543G>A (p.Glu515Lys), results in a conservative amino acid change located in the Glycosyl hydrolase family 59, C-terminal lectin domain (IPR049162) of the encoded protein sequence. Four of five in-silico tools predict a damaging effect of the variant on protein function. The variant was absent in 248836 control chromosomes. c.1543G>A has been reported in the literature in cis with a well-known pseudodeficiency allele p.Ile562Thr (c.1685T>C) and in trans with the well-known 30kb deletion (PMID: 7581365) in at least one individual affected with Krabbe Disease diagnosed by physical symptoms as well as low GALC activity in patient cells; this variant was also present in cis with a well-known pseudodeficiency allele p.Ile562Thr (c.1685T>C) in at least one individual who received newborn screening for Krabbe disease (Beltran-Quintero_2019, Saavedra-Matiz_2016). In vitro assessment of enzyme activity in a COS cell line found complete elimination of GALC enzymatic activity in the presence of this variant alone (Saavedra-Matiz_2016). The following publications have been ascertained in the context of this evaluation (PMID: 30777126, 27638593). ClinVar contains an entry for this variant (Variation ID: 194322). Based on the evidence outlined above, the variant was classified as likely pathogenic.

Labcorp Genetics (formerly Invitae), Labcorp
Classification: Pathogenic for Galactosylceramide beta-galactosidase deficiency. Last evaluated: 2024-01-19. Review status: criteria provided, single submitter. Criteria: Invitae Variant Classification Sherloc (09022015). Collection method: clinical testing. Allele origin: germline.
Comment: This sequence change replaces glutamic acid, which is acidic and polar, with lysine, which is basic and polar, at codon 515 of the GALC protein (p.Glu515Lys). This variant is not present in population databases (gnomAD no frequency). This missense change has been observed in individual(s) with Krabbe disease (PMID: 30777126). In at least one individual the data is consistent with being in trans (on the opposite chromosome) from a pathogenic variant. This variant is also known as p.Glu499Lys. ClinVar contains an entry for this variant (Variation ID: 194322). Advanced modeling of protein sequence and biophysical properties (such as structural, functional, and spatial information, amino acid conservation, physicochemical variation, residue mobility, and thermodynamic stability) performed at Invitae indicates that this missense variant is expected to disrupt GALC protein function with a positive predictive value of 95%. Experimental studies have shown that this missense change affects GALC function (PMID: 27638593). For these reasons, this variant has been classified as Pathogenic.

Eurofins Ntd Llc (ga)
Classification: Likely pathogenic. Last evaluated: 2014-05-08. Review status: criteria provided, single submitter. Criteria: EGL Classification Definitions 2015. Collection method: clinical testing. Allele origin: germline. Observed: 1 variant allele, 1 homozygote.

Counsyl
Classification: Uncertain significance for Galactosylceramide beta-galactosidase deficiency. Last evaluated: 2018-01-25. Review status: no assertion criteria provided. Collection method: clinical testing. Allele origin: unknown. Not counted in ClinVar's aggregate classification.

Literature cited by the submitters: PubMed 27638593 (cited by Women's Health and Genetics/Laboratory Corporation of America, LabCorp and Labcorp Genetics (formerly Invitae), Labcorp); PubMed 30777126 (cited by Women's Health and Genetics/Laboratory Corporation of America, LabCorp and Labcorp Genetics (formerly Invitae), Labcorp).

NM_000153.4(GALC):c.1543G>A (p.Glu515Lys)

Gene: GALC (galactosylceramidase; minus strand). Cytogenetic location: 14q31.3.
Variant type: single nucleotide variant.
Coding change: c.1543G>A on transcript NM_000153.4 (MANE Select); coding-DNA position 1543, G replaced by A.
Protein change: p.Glu515Lys; replaces glutamic acid 515 with lysine.
Molecular consequence: missense variant.
Genome position (GRCh38, 1-based): chr14:87,945,680, C>T on the plus strand (G>A on the coding strand, the complement: GALC is on the minus strand). VCF-style: chr14-87945680-C-T. GRCh37 (hg19) VCF-style: chr14-88412024-C-T.
Other names: c.1474G>A, p.Glu492Lys (NM_001201401.2); c.1465G>A, p.Glu489Lys (NM_001201402.2); short protein forms E515K, E489K, E492K.
Identifiers: ClinVar variation 194322 (VCV000194322.16), dbSNP rs794727116, ClinGen allele CA274999.